The following is an entry in ClinVar:

ClinVar aggregate classification (germline): Likely pathogenic (1 of 4 stars; one submission).

Conditions:
Usher syndrome type 1B (USH1B). Also called: Usher syndrome type IB. Identifiers: MedGen C1848638, MONDO:0700087.

Submission:

Natera, Inc.
Classification: Likely pathogenic for Usher syndrome type 1B. Last evaluated: 2025-02-16. Review status: criteria provided, single submitter. Criteria: Natera Variant Classification Schema (03/2026). Collection method: clinical testing. Allele origin: germline.
Comment: The c.238_239dup variant in MYO7A is a frameshift variant predicted to shift the reading frame beginning at codon 81 and leads to a stop codon 26 codons downstream. This variant is expected to result in nonsense mediated decay, truncation, or a dysfunctional protein product. This variant is rare in the general population with a frequency below the threshold expected for the associated phenotype(s). Given the available evidence, this variant is classified as Likely Pathogenic.

NM_000260.4(MYO7A):c.238_239dup (p.Ile81fs)

Gene: MYO7A (myosin VIIA; plus strand). Cytogenetic location: 11q13.5.
Variant type: Duplication.
Coding change: c.238_239dup on transcript NM_000260.4 (MANE Select); coding-DNA positions 238 to 239, 2 bases duplicated (GG; older notation c.238_239dupGG).
Protein change: p.Ile81fs; shifts the reading frame from isoleucine 81.
Molecular consequence: frameshift variant.
Genome position (GRCh38, 1-based): chr11:77,147,903-77,147,904, GG duplicated; duplicating any 2 consecutive bases within chr11:77,147,902-77,147,904 gives the same sequence; the c. name uses the placement nearest the transcript's 3' end. VCF-style (leftmost placement, unchanged base first): chr11-77147901-C-CGG. GRCh37 (hg19) VCF-style: chr11-76858947-C-CGG.
Other names: c.238_239dup, p.Ile81fs (NM_001127180.2); c.205_206dup, p.Ile70fs (NM_001369365.1); short protein forms I70fs, I81fs.
Identifiers: ClinVar variation 4058203 (VCV004058203.2).